The following is an entry in ClinVar:

ClinVar aggregate classification (germline): Pathogenic (1 of 4 stars; one submission).

Conditions:
Cystic fibrosis (CF). Also called: MUCOVISCIDOSIS. Identifiers: Orphanet 586, MedGen C0010674, MONDO:0009061, OMIM 219700. Disease mechanism: loss of function.

Submission:

Women's Health and Genetics/Laboratory Corporation of America, LabCorp
Classification: Pathogenic for Cystic fibrosis. Last evaluated: 2025-12-09. Review status: criteria provided, single submitter. Criteria: LabCorp Variant Classification Summary - May 2015. Collection method: clinical testing. Allele origin: germline.
Comment: Variant summary: CFTR c.2805_2806delinsT (p.Pro936HisfsX6) results in a premature termination codon, predicted to cause a truncation of the encoded protein or absence of the protein due to nonsense mediated decay, which are commonly known mechanisms for disease. The variant was absent in 251402 control chromosomes. To our knowledge, no occurrence of c.2805_2806delinsT in individuals affected with CFTR-related conditions and no experimental evidence demonstrating its impact on protein function have been reported. No submitters have cited clinical-significance assessments for this variant to ClinVar. Based on the evidence outlined above, the variant was classified as pathogenic.

NM_000492.4(CFTR):c.2805_2806delinsT (p.Pro936fs)

Gene: CFTR (CF transmembrane conductance regulator; plus strand). Cytogenetic location: 7q31.2.
Variant type: Indel.
Coding change: c.2805_2806delinsT on transcript NM_000492.4 (MANE Select); coding-DNA positions 2805 to 2806, AC replaced by T.
Protein change: p.Pro936fs; shifts the reading frame from proline 936.
Molecular consequence: frameshift variant.
Genome position (GRCh38, 1-based): chr7:117,603,679-117,603,680, AC replaced by T. VCF-style: chr7-117603679-AC-T. GRCh37 (hg19) VCF-style: chr7-117243733-AC-T.
Other names: short protein forms P936fs.
Identifiers: ClinVar variation 4688486 (VCV004688486.1).
Genomic context (GRCh38, chr7:117,603,679, plus strand): 5'-GTTTTACATTTACGTGGGAGTAGCCGACACTTTGCTTGCTATGGGATTCTTCAGAGGTCT[AC>T]CACTGGTGCATACTCTAATCACAGTGTCGAAAATTTTACACCACAAAATGTTACATTCTG-3'